The following is an entry in ClinVar:

NM_000228.3(LAMB3):c.2911_2938del

Gene: LAMB3 (laminin subunit beta 3; minus strand). Cytogenetic location: 1q32.2.
Variant type: Deletion.
Coding change: c.2911_2938del on transcript NM_000228.3 (MANE Select); coding-DNA positions 2911 to 2938, 28 bases deleted (AGCCGAGCCCATGCAGTGGAGGGCCAGG).
Genome position (GRCh38, 1-based): chr1:209,618,020-209,618,047, CCTGGCCCTCCACTGCATGGGCTCGGCT deleted on the plus strand (AGCCGAGCCCATGCAGTGGAGGGCCAGG on the coding strand, the reverse complement: LAMB3 is on the minus strand); deleting any 28 consecutive bases within chr1:209,618,020-209,618,052 gives the same sequence; the c. name uses the placement nearest the transcript's 3' end. VCF-style (leftmost placement, unchanged base first): chr1-209618019-ACCTGGCCCTCCACTGCATGGGCTCGGCT-A. GRCh37 (hg19) VCF-style: chr1-209791364-ACCTGGCCCTCCACTGCATGGGCTCGGCT-A.
Identifiers: ClinVar variation 3578275 (VCV003578275.2).

ClinVar aggregate classification (germline): Pathogenic/Likely pathogenic. Review status: criteria provided, multiple submitters, no conflicts (2 of 4 stars). 2 submissions from 2 submitters: Pathogenic (1); Likely pathogenic (1). Last evaluated 2026-01-11.

Conditions:
Junctional epidermolysis bullosa gravis of Herlitz. Also called: EPIDERMOLYSIS BULLOSA JUNCTIONALIS, HERLITZ TYPE; EPIDERMOLYSIS BULLOSA, JUNCTIONAL, HERLITZ-PEARSON TYPE; JEB-HERLITZ TYPE; Epidermolysis Bullosa Letalis; Herlitz-type junctional epidermolysis bullosa; EPIDERMOLYSIS BULLOSA, JUNCTIONAL 1B, SEVERE. Identifiers: Orphanet 79404, MedGen C0079683, MONDO:0009182, OMIM 226700.
Junctional epidermolysis bullosa, non-Herlitz type. Also called: EPIDERMOLYSIS BULLOSA JUNCTIONALIS, DISENTIS TYPE; EPIDERMOLYSIS BULLOSA JUNCTIONALIS, NON-HERLITZ TYPE; EPIDERMOLYSIS BULLOSA JUNCTIONALIS, PROGRESSIVE; EPIDERMOLYSIS BULLOSA JUNCTIONALIS, SEVERE NONLETHAL; Adult junctional epidermolysis bullosa; COL17A1-Related Junctional Epidermolysis Bullosa. Identifiers: Orphanet 251393, Orphanet 79402, Orphanet 79405, Orphanet 89840, MedGen C0268374, MONDO:0009180, OMIM 226650.
Amelogenesis imperfecta type 1A. Also called: Amelogenesis imperfecta, type IA; AMELOGENESIS IMPERFECTA, HYPOPLASTIC TYPE IA; Amelogenesis imperfecta local hypoplastic; Amelogenesis imperfecta, hypoplastic type. Identifiers: Orphanet 88661, MedGen C4011403, MONDO:0007094, OMIM 104530.

Submissions (2):

Labcorp Genetics (formerly Invitae), Labcorp
Classification: Pathogenic. Last evaluated: 2026-01-11. Review status: criteria provided, single submitter. Criteria: Invitae Variant Classification Sherloc (09022015). Collection method: clinical testing. Allele origin: germline.
Comment: This sequence change creates a premature translational stop signal (p.Ser971Trpfs*50) in the LAMB3 gene. It is expected to result in an absent or disrupted protein product. Loss-of-function variants in LAMB3 are known to be pathogenic (PMID: 11023379, 16473856). This variant is not present in population databases (gnomAD no frequency). This variant has not been reported in the literature in individuals affected with LAMB3-related conditions. ClinVar contains an entry for this variant (Variation ID: 3578275). For these reasons, this variant has been classified as Pathogenic.

Fulgent Genetics
Classification: Likely pathogenic for Amelogenesis imperfecta type 1A; Junctional epidermolysis bullosa, non-Herlitz type; Junctional epidermolysis bullosa gravis of Herlitz. Last evaluated: 2024-03-21. Review status: criteria provided, single submitter. Criteria: ACMG Guidelines, 2015. Collection method: clinical testing. Allele origin: germline.

Literature cited by the submitters: PubMed 11023379 (cited by Labcorp Genetics (formerly Invitae), Labcorp); PubMed 16473856 (cited by Labcorp Genetics (formerly Invitae), Labcorp).